The following is an entry in ClinVar:

NM_138610.3(MACROH2A1):c.200C>A (p.Ala67Glu)

Gene: MACROH2A1 (macroH2A.1 histone; minus strand). Cytogenetic location: 5q31.1.
Variant type: single nucleotide variant.
Coding change: c.200C>A on transcript NM_138610.3 (MANE Select); coding-DNA position 200, C replaced by A.
Protein change: p.Ala67Glu; replaces alanine 67 with glutamic acid.
Molecular consequence: missense variant. On other transcripts: non-coding transcript variant (19), intron variant (1).
Genome position (GRCh38, 1-based): chr5:135,370,115, G>T on the plus strand (C>A on the coding strand, the complement: MACROH2A1 is on the minus strand). VCF-style: chr5-135370115-G-T. GRCh37 (hg19) VCF-style: chr5-134705805-G-T.
Other names: c.200C>A, p.Ala67Glu (NM_001040158.2, NM_001400401.1, NM_001400402.1 and 3 more transcripts); c.172+18807C>A (NM_001400404.1); short protein forms A67E.
Identifiers: ClinVar variation 4685471 (VCV004685471.1).
Genomic context (GRCh38, chr5:135,370,115, plus strand): 5'-TTGGCCACAGCCAGCAGGATGTGCCGGGGTGTGACCCGTCCCTTCTTGTTGTCTCTCGCT[G>T]CATTGCCAGCCAGCTCCAGAATCTCCGCTGTGGGGAGCAGAGATGAGTGTATGGTCATGT-3'
Protein context (NP_613258.2, residues 57-77): TAEILELAGN[Ala67Glu]ARDNKKGRVT

ClinVar aggregate classification (germline): Uncertain significance (1 of 4 stars; one submission).

Conditions:
MACROH2A1-related neurodevelopmental disorder.

Submission:

Telethon Undiagnosed Diseases Program, Telethon Institute of Genetics and Medicine
Classification: Uncertain significance for MACROH2A1-related neurodevelopmental disorder. Last evaluated: 2025-10-17. Review status: criteria provided, single submitter. Criteria: ACMG Guidelines, 2015. Collection method: clinical testing. Allele origin: de novo. Inheritance: Autosomal dominant inheritance. Affected: yes.
Comment: The c.200C>A variant in the MACROH2A1 gene results in the substitution of an alanine for a glutamic acid at the protein level (p.Ala67Glu). This missense mutation involves the replacement of a nonpolar, aliphatic amino acid (alanine) with a polar, negatively charged amino acid (glutamic acid) at position 67 of the MACROH2A1 protein. The MACROH2A1 gene encodes a variant histone protein, macroH2A1, which is a component of the chromatin in eukaryotic cells. MacroH2A1 plays a role in the regulation of gene expression by contributing to chromatin structure and dynamics. It is involved in the establishment of heterochromatin regions, thereby participating in the silencing of gene expression. Additionally, macroH2A1 has been implicated in the regulation of DNA repair processes and has a role in maintaining genomic stability.